The following is an entry in ClinVar:

NM_004360.5(CDH1):c.1416C>G (p.Thr472=)

Gene: CDH1 (cadherin 1; plus strand). Cytogenetic location: 16q22.1.
Variant type: single nucleotide variant.
Coding change: c.1416C>G on transcript NM_004360.5 (MANE Select); coding-DNA position 1416, C replaced by G.
Protein change: p.Thr472=; no amino-acid change (threonine 472 retained).
Molecular consequence: synonymous variant. On other transcripts: 5 prime UTR variant (2).
Genome position (GRCh38, 1-based): chr16:68,815,610, C>G. VCF-style: chr16-68815610-C-G. GRCh37 (hg19) VCF-style: chr16-68849513-C-G.
Other names: c.1233C>G, p.Thr411= (NM_001317184.2); c.-133C>G (NM_001317185.2); c.-404C>G (NM_001317186.2).
Identifiers: ClinVar variation 1154439 (VCV001154439.12), dbSNP rs139937234, ClinGen allele CA496153975.
Genomic context (GRCh38, chr16:68,815,610, plus strand): 5'-ACACGTAGCAGTGACGAATGTGGTACCTTTTGAGGTCTCTCTCACCACCTCCACAGCCAC[C>G]GTCACCGTGGATGTGCTGGATGTGAATGAAGCCCCCATCTTTGTGCCTCCTGAAAAGAGA-3'
Protein context (NP_004351.1, residues 462-482): FEVSLTTSTA[Thr472=]VTVDVLDVNE

ClinVar aggregate classification (germline): Benign/Likely benign. Review status: criteria provided, multiple submitters, no conflicts (2 of 4 stars). 3 submissions from 3 submitters: Benign (1); Likely benign (2). Last evaluated 2024-09-18.

Conditions:
Hereditary cancer-predisposing syndrome. Also called: Hereditary Cancer Syndrome; Hereditary neoplastic syndrome; Neoplastic Syndromes, Hereditary; Tumor predisposition. Identifiers: Orphanet 140162, MedGen C0027672, MeSH D009386, MONDO:0015356.
Hereditary diffuse gastric adenocarcinoma (HDGC). Also called: DIFFUSE GASTRIC AND LOBULAR BREAST CANCER SYNDROME. Identifiers: Orphanet 26106, MedGen C1708349, MONDO:0007648, OMIM 137215.

Submissions (3):

Myriad Genetics, Inc.
Classification: Benign for Hereditary diffuse gastric adenocarcinoma. Last evaluated: 2024-09-18. Review status: criteria provided, single submitter. Criteria: Myriad Autosomal Dominant, Autosomal Recessive and X-Linked Classification Criteria (2023). Collection method: clinical testing. Allele origin: unknown.
Comment: This variant is considered benign. This variant is a silent/synonymous amino acid change and it is not expected to impact splicing.

Ambry Genetics
Classification: Likely benign for Hereditary cancer-predisposing syndrome. Last evaluated: 2022-03-01. Review status: criteria provided, single submitter. Criteria: Ambry Variant Classification Scheme 2023. Collection method: clinical testing. Allele origin: germline.

Labcorp Genetics (formerly Invitae), Labcorp
Classification: Likely benign for Hereditary diffuse gastric adenocarcinoma. Last evaluated: 2019-09-13. Review status: criteria provided, single submitter. Criteria: Invitae Variant Classification Sherloc (09022015). Collection method: clinical testing. Allele origin: germline.